The following is an entry in ClinVar:

ClinVar aggregate classification (germline): Benign/Likely benign. Review status: criteria provided, multiple submitters, no conflicts (2 of 4 stars). 7 submissions from 7 submitters: Benign (2); Likely benign (3). 2 of the submissions do not count toward it. Last evaluated 2026-10-01.

Allele frequency attached by ClinVar (database versions not stated): 1000 Genomes Project 0.00280; 1000 Genomes Project 30x 0.00297; ESP Exome Variant Server 0.00415; TOPMed 0.00473; gnomAD 0.00491.
gnomAD v4.1: 11,929 of 1,597,710 alleles (0.75%); highest among the groups gnomAD compares: Middle Eastern, 1.4%; 65 homozygotes.

Submissions (7):

CeGaT Center for Human Genetics Tuebingen
Classification: Likely benign. Last evaluated: 2026-10-01. Review status: criteria provided, single submitter. Criteria: CeGaT Center For Human Genetics Tuebingen Variant Classification Criteria Version 2. Collection method: clinical testing. Allele origin: germline. Affected: yes. Observed: 14 variant alleles.
Comment: TNFRSF11A: BS2

Labcorp Genetics (formerly Invitae), Labcorp
Classification: Benign. Last evaluated: 2026-01-27. Review status: criteria provided, single submitter. Criteria: Invitae Variant Classification Sherloc (09022015). Collection method: clinical testing. Allele origin: germline.

Eurofins Ntd Llc (ga)
Classification: Benign. Last evaluated: 2015-02-11. Review status: criteria provided, single submitter. Criteria: EGL Classification Definitions 2015. Collection method: clinical testing. Allele origin: germline. Observed: 1 variant allele, 1 heterozygote.

Breakthrough Genomics
Classification: Likely benign. Review status: criteria provided, single submitter. Criteria: ACMG Guidelines, 2015. Collection method: not provided. Allele origin: germline. Inheritance: Autosomal recessive inheritance. Affected: yes.

PreventionGenetics, part of Exact Sciences
Classification: Likely benign. Review status: criteria provided, single submitter. Criteria: ACMG Guidelines, 2015. Collection method: clinical testing. Allele origin: germline.

Clinical Genetics DNA and cytogenetics Diagnostics Lab, Erasmus MC, Erasmus Medical Center
Classification: Likely benign. Review status: no assertion criteria provided. Collection method: clinical testing. Allele origin: germline. Affected: yes. Study: VKGL Data-share Consensus. Not counted in ClinVar's aggregate classification.

Genome Diagnostics Laboratory, University Medical Center Utrecht
Classification: Likely benign. Review status: no assertion criteria provided. Collection method: clinical testing. Allele origin: germline. Affected: yes. Study: VKGL Data-share Consensus. Not counted in ClinVar's aggregate classification.

NM_003839.4(TNFRSF11A):c.327C>T (p.Pro109=)

Gene: TNFRSF11A (TNF receptor superfamily member 11a; plus strand). Cytogenetic location: 18q21.33.
Variant type: single nucleotide variant.
Coding change: c.327C>T on transcript NM_003839.4 (MANE Select); coding-DNA position 327, C replaced by T.
Protein change: p.Pro109=; no amino-acid change (proline 109 retained).
Molecular consequence: synonymous variant.
Genome position (GRCh38, 1-based): chr18:62,354,434, C>T. VCF-style: chr18-62354434-C-T. GRCh37 (hg19) VCF-style: chr18-60021667-C-T.
Other names: c.327C>T, p.Pro109= (NM_001270949.2, NM_001270950.2, NM_001270951.2 and 1 more transcripts).
Identifiers: ClinVar variation 197221 (VCV000197221.42), dbSNP rs35003467, ClinGen allele CA202752.